The following is an entry in ClinVar:

NM_020699.4(GATAD2B):c.701T>C (p.Val234Ala)

Gene: GATAD2B (GATA zinc finger domain containing 2B; minus strand). Cytogenetic location: 1q21.3.
Variant type: single nucleotide variant.
Coding change: c.701T>C on transcript NM_020699.4 (MANE Select); coding-DNA position 701, T replaced by C.
Protein change: p.Val234Ala; replaces valine 234 with alanine.
Molecular consequence: missense variant.
Genome position (GRCh38, 1-based): chr1:153,818,068, A>G on the plus strand (T>C on the coding strand, the complement: GATAD2B is on the minus strand). VCF-style: chr1-153818068-A-G. GRCh37 (hg19) VCF-style: chr1-153790544-A-G.
Other names: short protein forms V234A.
Identifiers: ClinVar variation 3673843 (VCV003673843.2).

ClinVar aggregate classification (germline): Uncertain significance (1 of 4 stars; one submission).

gnomAD v4.1: 5 of 1,611,668 alleles (0.00031%); highest among the groups gnomAD compares: Non-Finnish European, 0.00034%; no homozygotes.

Submission:

Labcorp Genetics (formerly Invitae), Labcorp
Classification: Uncertain significance. Last evaluated: 2024-04-05. Review status: criteria provided, single submitter. Criteria: Invitae Variant Classification Sherloc (09022015). Collection method: clinical testing. Allele origin: germline.
Comment: This sequence change replaces valine, which is neutral and non-polar, with alanine, which is neutral and non-polar, at codon 234 of the GATAD2B protein (p.Val234Ala). This variant is present in population databases (no rsID available, gnomAD 0.006%). This variant has not been reported in the literature in individuals affected with GATAD2B-related conditions. Advanced modeling of protein sequence and biophysical properties (such as structural, functional, and spatial information, amino acid conservation, physicochemical variation, residue mobility, and thermodynamic stability) performed at Invitae indicates that this missense variant is not expected to disrupt GATAD2B protein function with a negative predictive value of 80%. In summary, the available evidence is currently insufficient to determine the role of this variant in disease. Therefore, it has been classified as a Variant of Uncertain Significance.